The following is an entry in ClinVar:

ClinVar aggregate classification (germline): Likely pathogenic. Review status: criteria provided, single submitter (1 of 4 stars). 2 submissions from 2 submitters: Likely pathogenic (1). 1 of the submissions does not count toward it. Last evaluated 2021-01-13.

Conditions:
HEMOGLOBIN H HYDROPS FETALIS SYNDROME. Identifiers: MedGen C3278365.

Submissions (2):

Quest Diagnostics Nichols Institute San Juan Capistrano
Classification: Likely pathogenic. Last evaluated: 2021-01-13. Review status: criteria provided, single submitter. Criteria: Quest Diagnostics criteria. Collection method: clinical testing. Allele origin: unknown.
Comment: The variant has been reported as a variant having an alpha thalassemia-like phenotype. It has been observed in heterozygous carriers from a Portuguese family and associated with moderate erythrocytosis, microcytosis, and hypochromia (PMID: 17296578 (2007)). This variant was described as being unstable and causing Hb H disease in a severely affected infant with the Filipino deletional mutation (--FIL) on the other allele (PMID: 11722414 (2001)). This variant has not been reported in large, multi-ethnic general populations.

OMIM
Classification: other for HEMOGLOBIN H HYDROPS FETALIS SYNDROME. Last evaluated: 2016-10-13. Review status: no assertion criteria provided. Collection method: literature only. Allele origin: germline. Not counted in ClinVar's aggregate classification.

Literature cited by the submitters: PubMed 24275569 (cited by Quest Diagnostics Nichols Institute San Juan Capistrano); PubMed 11722414 (cited by Quest Diagnostics Nichols Institute San Juan Capistrano and OMIM); PubMed 17296578 (cited by Quest Diagnostics Nichols Institute San Juan Capistrano); PubMed 20507641 (cited by Quest Diagnostics Nichols Institute San Juan Capistrano); PubMed 26460264 (cited by Quest Diagnostics Nichols Institute San Juan Capistrano).

NM_000517.6(HBA2):c.106T>C (p.Ser36Pro)

Genes: HBA2 (hemoglobin subunit alpha 2; plus strand), LOC106804612 (hemoglobin subunit alpha 2 recombination region; plus strand). Cytogenetic location: 16p13.3.
Variant type: single nucleotide variant.
Coding change: c.106T>C on transcript NM_000517.6 (MANE Select); coding-DNA position 106, T replaced by C.
Protein change: p.Ser36Pro; replaces serine 36 with proline.
Molecular consequence: missense variant.
Genome position (GRCh38, 1-based): chr16:173,135, T>C. VCF-style: chr16-173135-T-C. GRCh37 (hg19) VCF-style: chr16-223134-T-C.
Other names: S35P; short protein forms S36P.
Identifiers: ClinVar variation 993102 (VCV000993102.9), dbSNP rs63750776, ClinGen allele CA276414554.
Genomic context (GRCh38, chr16:173,135, plus strand): 5'-GTCCTGGCCCCGGACCCAAACCCCACCCCTCACTCTGCTTCTCCCCGCAGGATGTTCCTG[T>C]CCTTCCCCACCACCAAGACCTACTTCCCGCACTTCGACCTGAGCCACGGCTCTGCCCAGG-3'
Protein context (NP_000508.1, residues 26-46): GAEALERMFL[Ser36Pro]FPTTKTYFPH